The following is an entry in ClinVar:

ClinVar aggregate classification (germline): Conflicting classifications of pathogenicity. Review status: criteria provided, conflicting classifications (1 of 4 stars). 3 submissions from 3 submitters: Uncertain significance (2); Benign (1). Last evaluated 2025-10-17.

Conditions:
Leukodystrophy, hypomyelinating, 8, with or without oligodontia and/or hypogonadotropic hypogonadism. Also called: Endosteal sclerosis-cerebellar hypoplasia syndrome; Hypomyelinating leukodystrophy 8 with or without oligodontia and-or hypogonadotropic hypogonadism; LEUKODYSTROPHY, HYPOMYELINATING, 8, WITH HYPODONTIA AND HYPOGONADOTROPIC HYPOGONADISM. Identifiers: Orphanet 85186, Orphanet 88637, MedGen C3280644, MONDO:0013722, OMIM 614381.

Allele frequency attached by ClinVar (database versions not stated): gnomAD exomes 0.00029 and 0.00006; gnomAD 0.00004; TOPMed 0.00012; ExAC 0.00031.
gnomAD v4.1: 86 of 1,502,894 alleles (0.0057%); highest among the groups gnomAD compares: Admixed American, 0.14%; no homozygotes.

Submissions (3):

Labcorp Genetics (formerly Invitae), Labcorp
Classification: Benign. Last evaluated: 2025-10-17. Review status: criteria provided, single submitter. Criteria: Invitae Variant Classification Sherloc (09022015). Collection method: clinical testing. Allele origin: germline.

Baylor Genetics
Classification: Uncertain significance for Leukodystrophy, hypomyelinating, 8, with or without oligodontia and/or hypogonadotropic hypogonadism. Last evaluated: 2018-03-01. Review status: criteria provided, single submitter. Criteria: ACMG Guidelines, 2015. Collection method: clinical testing. Allele origin: maternal. Affected: yes.
Comment: This variant was determined to be of uncertain significance according to ACMG Guidelines, 2015 [PMID:25741868].

Illumina Laboratory Services, Illumina
Classification: Uncertain significance for Leukodystrophy, hypomyelinating, 8, with or without oligodontia and/or hypogonadotropic hypogonadism. Last evaluated: 2018-01-12. Review status: criteria provided, single submitter. Criteria: ICSL Variant Classification Criteria 13 December 2019. Collection method: clinical testing. Allele origin: germline.

NM_018082.6(POLR3B):c.3098+8A>G

Genes: POLR3B (RNA polymerase III subunit B; plus strand), RFX4-AS1 (RFX4 antisense RNA 1; minus strand). Cytogenetic location: 12q23.3.
Variant type: single nucleotide variant.
Coding change: c.3098+8A>G on transcript NM_018082.6 (MANE Select); 8 bases into the intron after coding-DNA position 3098, A replaced by G.
Molecular consequence: intron variant.
Genome position (GRCh38, 1-based): chr12:106,501,444, A>G. VCF-style: chr12-106501444-A-G. GRCh37 (hg19) VCF-style: chr12-106895222-A-G.
Other names: c.2924+8A>G (NM_001160708.2).
Identifiers: ClinVar variation 880814 (VCV000880814.12), dbSNP rs753390602, ClinGen allele CA6762398.
Genomic context (GRCh38, chr12:106,501,444, plus strand): 5'-GTGCTAGATAAAATGCATGCCCGGGCCCGGGGCCCACGAGCCGTCCTTACCAGGTAAGAG[A>G]AAAGTACTTACAAAAAGAATTGATAATGCAGTCAAGTCCACCTTGTATTTTCCAGATATG-3'